The following is an entry in ClinVar:

NM_002905.5(RDH5):c.913G>A (p.Val305Met)

Genes: BLOC1S1-RDH5 (BLOC1S1-RDH5 readthrough; plus strand), CD63 (CD63 molecule; minus strand), RDH5 (retinol dehydrogenase 5; plus strand). Cytogenetic location: 12q13.2.
Variant type: single nucleotide variant.
Coding change: c.913G>A on transcript NM_002905.5 (MANE Select); coding-DNA position 913, G replaced by A.
Protein change: p.Val305Met; replaces valine 305 with methionine.
Molecular consequence: missense variant. On other transcripts: non-coding transcript variant (1).
Genome position (GRCh38, 1-based): chr12:55,724,501, G>A. VCF-style: chr12-55724501-G-A. GRCh37 (hg19) VCF-style: chr12-56118285-G-A.
Other names: c.913G>A, p.Val305Met (NM_001199771.3); short protein forms V305M.
Identifiers: ClinVar variation 1480870 (VCV001480870.5), dbSNP rs1877108948, ClinGen allele CA385203874.

ClinVar aggregate classification (germline): Uncertain significance (1 of 4 stars; one submission).

Allele frequency attached by ClinVar (database versions not stated): TOPMed below 0.00001.
gnomAD v4.1: 2 of 1,613,302 alleles (0.00012%); highest among the groups gnomAD compares: Non-Finnish European, 0.000085%; no homozygotes.

Submission:

Labcorp Genetics (formerly Invitae), Labcorp
Classification: Uncertain significance. Last evaluated: 2022-06-27. Review status: criteria provided, single submitter. Criteria: Invitae Variant Classification Sherloc (09022015). Collection method: clinical testing. Allele origin: germline.
Comment: In summary, the available evidence is currently insufficient to determine the role of this variant in disease. Therefore, it has been classified as a Variant of Uncertain Significance. Algorithms developed to predict the effect of missense changes on protein structure and function are either unavailable or do not agree on the potential impact of this missense change (SIFT: "Deleterious"; PolyPhen-2: "Benign"; Align-GVGD: "Class C0"). This variant has not been reported in the literature in individuals affected with RDH5-related conditions. This variant is not present in population databases (gnomAD no frequency). This sequence change replaces valine, which is neutral and non-polar, with methionine, which is neutral and non-polar, at codon 305 of the RDH5 protein (p.Val305Met).